The following is an entry in ClinVar:

ClinVar aggregate classification (germline): Uncertain significance (1 of 4 stars; one submission).

Submission:

Labcorp Genetics (formerly Invitae), Labcorp
Classification: Uncertain significance. Last evaluated: 2023-09-20. Review status: criteria provided, single submitter. Criteria: Invitae Variant Classification Sherloc (09022015). Collection method: clinical testing. Allele origin: germline.
Comment: In summary, the available evidence is currently insufficient to determine the role of this variant in disease. Therefore, it has been classified as a Variant of Uncertain Significance. Advanced modeling of protein sequence and biophysical properties (such as structural, functional, and spatial information, amino acid conservation, physicochemical variation, residue mobility, and thermodynamic stability) has been performed at Invitae for this missense variant, however the output from this modeling did not meet the statistical confidence thresholds required to predict the impact of this variant on RAI1 protein function. This variant has not been reported in the literature in individuals affected with RAI1-related conditions. This variant is not present in population databases (gnomAD no frequency). This sequence change replaces lysine, which is basic and polar, with arginine, which is basic and polar, at codon 1093 of the RAI1 protein (p.Lys1093Arg).

NM_030665.4(RAI1):c.3278A>G (p.Lys1093Arg)

Gene: RAI1 (retinoic acid induced 1; plus strand). Cytogenetic location: 17p11.2.
Variant type: single nucleotide variant.
Coding change: c.3278A>G on transcript NM_030665.4 (MANE Select); coding-DNA position 3278, A replaced by G.
Protein change: p.Lys1093Arg; replaces lysine 1093 with arginine.
Molecular consequence: missense variant.
Genome position (GRCh38, 1-based): chr17:17,796,226, A>G. VCF-style: chr17-17796226-A-G. GRCh37 (hg19) VCF-style: chr17-17699540-A-G.
Other names: short protein forms K1093R.
Identifiers: ClinVar variation 2762134 (VCV002762134.3), dbSNP rs2508586228, ClinGen allele CA398553255.